The following is an entry in ClinVar:

NM_000326.5(RLBP1):c.13-1G>C

Gene: RLBP1 (retinaldehyde binding protein 1; minus strand). Cytogenetic location: 15q26.1.
Variant type: single nucleotide variant.
Coding change: c.13-1G>C on transcript NM_000326.5 (MANE Select); the canonical splice acceptor site of the intron before coding-DNA position 13, G replaced by C.
Molecular consequence: splice acceptor variant.
Genome position (GRCh38, 1-based): chr15:89,218,694, C>G on the plus strand (G>C on the coding strand, the complement: RLBP1 is on the minus strand). VCF-style: chr15-89218694-C-G. GRCh37 (hg19) VCF-style: chr15-89761925-C-G.
Identifiers: ClinVar variation 1521641 (VCV001521641.11), dbSNP rs763694069, ClinGen allele CA7722409.

ClinVar aggregate classification (germline): Pathogenic/Likely pathogenic. Review status: criteria provided, multiple submitters, no conflicts (2 of 4 stars). 4 submissions from 4 submitters: Pathogenic (2); Likely pathogenic (2). Last evaluated 2025-04-02.

Conditions:
Retinitis pigmentosa (RP). Identifiers: Orphanet 791, MedGen C0035334, MeSH D012174, MONDO:0019200, OMIM 268000. Inheritance: Autosomal dominant, autosomal recessive and X linked inheritance.
RLBP1-related disorder. Also called: RLBP1-related disorders; RLBP1-related condition. Identifiers: MedGen CN239413.

Allele frequency attached by ClinVar (database versions not stated): ExAC 0.00001; gnomAD 0.00001; gnomAD exomes 0.00001; TOPMed 0.00001.
gnomAD v4.1: 12 of 1,613,966 alleles (0.00074%); highest among the groups gnomAD compares: Non-Finnish European, 0.00076%; no homozygotes.

Submissions (4):

3billion
Classification: Pathogenic for RLBP1-related disorder. Last evaluated: 2025-04-02. Review status: criteria provided, single submitter. Criteria: ACMG Guidelines, 2015. Collection method: clinical testing. Allele origin: germline. Affected: yes.
Comment: The variant is observed at an extremely low frequency in the gnomAD v4.1.0 dataset (total allele frequency: <0.001%). Predicted Consequence/Location: Canonical splice site: predicted to alter splicing and result in a loss or disruption of normal protein function. Multiple pathogenic loss-of-function variants are reported downstream of the variant. The variant was homozygous. The variant has been reported to be associated with RLBP1-related disorder (ClinVar ID: VCV001521641 / PMID: 35456422). Therefore, this variant is classified as Pathogenic according to the recommendation of ACMG/AMP guideline.

Women's Health and Genetics/Laboratory Corporation of America, LabCorp
Classification: Likely pathogenic for Retinitis pigmentosa. Last evaluated: 2025-03-28. Review status: criteria provided, single submitter. Criteria: LabCorp Variant Classification Summary - May 2015. Collection method: clinical testing. Allele origin: germline.
Comment: Variant summary: RLBP1 c.13-1G>C is located in a canonical splice-site and is predicted to affect mRNA splicing resulting in a significantly altered protein due to either exon skipping, shortening, or inclusion of intronic material. Variants that disrupt the consensus splice site are a relatively common cause of aberrant splicing and loss of RLBP1 function. Several computational tools predict a significant impact on normal splicing: Two predict the variant abolishes a cryptic 5' donor site. Two predict the variant weakens a cryptic 5' donor site. Four predict the variant abolishes a 3' acceptor site. However, these predictions have yet to be confirmed by functional studies. The variant allele was found at a frequency of 8e-06 in 251138 control chromosomes. c.13-1G>C has been reported in the presumed compound heterozygous state in the literature and internally in at least 2 individuals affected with clinical features of RLBP1-related retinal dystrophies (example, Zhu_2022, Labcorp Genetics (formerly Invitae)). These data indicate that the variant may be associated with disease. To our knowledge, no experimental evidence demonstrating an impact on protein function has been reported. The following publications has been ascertained in the context of this evaluation (PMID: 35456422).ClinVar contains an entry for this variant (Variation ID: 1521641). Based on the evidence outlined above, the variant was classified as likely pathogenic.

Labcorp Genetics (formerly Invitae), Labcorp
Classification: Pathogenic. Last evaluated: 2024-09-14. Review status: criteria provided, single submitter. Criteria: Invitae Variant Classification Sherloc (09022015). Collection method: clinical testing. Allele origin: germline.
Comment: This sequence change affects an acceptor splice site in intron 3 of the RLBP1 gene. It is expected to disrupt RNA splicing. Variants that disrupt the donor or acceptor splice site typically lead to a loss of protein function (PMID: 16199547), and loss-of-function variants in RLBP1 are known to be pathogenic (PMID: 2392416, 11301032, 21447491, 25429852). This variant is present in population databases (rs763694069, gnomAD 0.0009%). Disruption of this splice site has been observed in individuals with autosomal recessive rod-cone dystrophy (PMID: 35456422; internal data). ClinVar contains an entry for this variant (Variation ID: 1521641). Algorithms developed to predict the effect of sequence changes on RNA splicing suggest that this variant may disrupt the consensus splice site. For these reasons, this variant has been classified as Pathogenic.

Blueprint Genetics
Classification: Likely pathogenic for RLBP1-related disorders. Last evaluated: 2021-05-12. Review status: criteria provided, single submitter. Criteria: ACMG Guidelines, 2015. Collection method: clinical testing. Allele origin: germline. Affected: yes. Observed: 2 variant alleles.

Literature cited by the submitters: PubMed 35456422 (cited by 3 submitters); PubMed 16199547 (cited by Labcorp Genetics (formerly Invitae), Labcorp); PubMed 2392416 (cited by Labcorp Genetics (formerly Invitae), Labcorp); PubMed 11301032 (cited by Labcorp Genetics (formerly Invitae), Labcorp); PubMed 21447491 (cited by Labcorp Genetics (formerly Invitae), Labcorp); PubMed 25429852 (cited by Labcorp Genetics (formerly Invitae), Labcorp).